The following is an entry in ClinVar:

NM_006031.6(PCNT):c.3510A>G (p.Gly1170=)

Gene: PCNT (pericentrin; plus strand). Cytogenetic location: 21q22.3.
Variant type: single nucleotide variant.
Coding change: c.3510A>G on transcript NM_006031.6 (MANE Select); coding-DNA position 3510, A replaced by G.
Protein change: p.Gly1170=; no amino-acid change (glycine 1170 retained).
Molecular consequence: synonymous variant.
Genome position (GRCh38, 1-based): chr21:46,388,787, A>G. VCF-style: chr21-46388787-A-G. GRCh37 (hg19) VCF-style: chr21-47808702-A-G.
Other names: c.3510A>G (NM_006031.5); c.3156A>G, p.Gly1052= (NM_001315529.2).
Identifiers: ClinVar variation 1941077 (VCV001941077.8), dbSNP rs768296539, ClinGen allele CA10079340.

ClinVar aggregate classification (germline): Likely benign. Review status: criteria provided, multiple submitters, no conflicts (2 of 4 stars). 3 submissions from 3 submitters: Likely benign (2). 1 of the submissions does not count toward it. Last evaluated 2026-08-01.

Conditions:
PCNT-related disorder. Also called: PCNT-related condition.

Allele frequency attached by ClinVar (database versions not stated): ExAC 0.00001; gnomAD 0.00001; gnomAD exomes 0.00001; TOPMed 0.00001.
gnomAD v4.1: 5 of 1,613,518 alleles (0.00031%); highest among the groups gnomAD compares: Admixed American, 0.0067%; no homozygotes.

Submissions (3):

CeGaT Center for Human Genetics Tuebingen
Classification: Likely benign. Last evaluated: 2026-08-01. Review status: criteria provided, single submitter. Criteria: CeGaT Center For Human Genetics Tuebingen Variant Classification Criteria Version 2. Collection method: clinical testing. Allele origin: germline. Affected: yes. Observed: 1 variant allele.
Comment: PCNT: BP4, BP7

Labcorp Genetics (formerly Invitae), Labcorp
Classification: Likely benign. Last evaluated: 2025-03-31. Review status: criteria provided, single submitter. Criteria: Invitae Variant Classification Sherloc (09022015). Collection method: clinical testing. Allele origin: germline.

PreventionGenetics, part of Exact Sciences
Classification: Likely benign for PCNT-related condition. Last evaluated: 2021-06-08. Review status: no assertion criteria provided. Collection method: clinical testing. Allele origin: germline. Not counted in ClinVar's aggregate classification.
Comment: This variant is classified as likely benign based on ACMG/AMP sequence variant interpretation guidelines (Richards et al. 2015 PMID: 25741868, with internal and published modifications).